The following is an entry in ClinVar:

ClinVar aggregate classification (germline): Uncertain significance (1 of 4 stars; one submission).

Conditions:
Fucosidosis. Also called: ALPHA-L-FUCOSIDASE DEFICIENCY. Identifiers: Orphanet 349, MedGen C0016788, MONDO:0009254, OMIM 230000.

gnomAD v4.1: 6 of 1,547,490 alleles (0.00039%); highest among the groups gnomAD compares: South Asian, 0.0047%; no homozygotes.

Submission:

Labcorp Genetics (formerly Invitae), Labcorp
Classification: Uncertain significance for Fucosidosis. Last evaluated: 2022-07-12. Review status: criteria provided, single submitter. Criteria: Invitae Variant Classification Sherloc (09022015). Collection method: clinical testing. Allele origin: germline.
Comment: This sequence change replaces arginine, which is basic and polar, with glycine, which is neutral and non-polar, at codon 2 of the FUCA1 protein (p.Arg2Gly). This variant is present in population databases (no rsID available, gnomAD 0.002%). This variant has not been reported in the literature in individuals affected with FUCA1-related conditions. ClinVar contains an entry for this variant (Variation ID: 1398546). Algorithms developed to predict the effect of missense changes on protein structure and function output the following: SIFT: "Tolerated"; PolyPhen-2: "Possibly Damaging"; Align-GVGD: "Class C0". The glycine amino acid residue is found in multiple mammalian species, which suggests that this missense change does not adversely affect protein function. In summary, the available evidence is currently insufficient to determine the role of this variant in disease. Therefore, it has been classified as a Variant of Uncertain Significance.

NM_000147.5(FUCA1):c.4C>G (p.Arg2Gly)

Gene: FUCA1 (alpha-L-fucosidase 1; minus strand). Cytogenetic location: 1p36.11.
Variant type: single nucleotide variant.
Coding change: c.4C>G on transcript NM_000147.5 (MANE Select); coding-DNA position 4, C replaced by G.
Protein change: p.Arg2Gly; replaces arginine 2 with glycine.
Molecular consequence: missense variant.
Genome position (GRCh38, 1-based): chr1:23,868,283, G>C on the plus strand (C>G on the coding strand, the complement: FUCA1 is on the minus strand). VCF-style: chr1-23868283-G-C. GRCh37 (hg19) VCF-style: chr1-24194773-G-C.
Other names: short protein forms R2G.
Identifiers: ClinVar variation 1398546 (VCV001398546.3), dbSNP rs2070955, ClinGen allele CA339011061.